The following is an entry in ClinVar:

NM_024685.4(BBS10):c.1808del (p.Gly603fs)

Gene: BBS10 (Bardet-Biedl syndrome 10; minus strand). Cytogenetic location: 12q21.2.
Variant type: Deletion.
Coding change: c.1808del on transcript NM_024685.4 (MANE Select); coding-DNA position 1808, one base deleted (G; older notation c.1808delG).
Protein change: p.Gly603fs; shifts the reading frame from glycine 603.
Molecular consequence: frameshift variant.
Genome position (GRCh38, 1-based): chr12:76,346,177, C deleted on the plus strand (G on the coding strand, the reverse complement: BBS10 is on the minus strand); the first of 2 consecutive C bases (chr12:76,346,177-76,346,178); deleting either gives the same sequence. VCF-style (leftmost placement, unchanged base first): chr12-76346176-AC-A. GRCh37 (hg19) VCF-style: chr12-76739956-AC-A.
Other names: short protein forms G603fs.
Identifiers: ClinVar variation 4816158 (VCV004816158.1).

ClinVar aggregate classification (germline): Likely pathogenic (1 of 4 stars; one submission).

Conditions:
Bardet-Biedl syndrome 10 (BBS10). Identifiers: Orphanet 110, MedGen C1859568, MONDO:0014438, OMIM 615987.

Submission:

Natera, Inc.
Classification: Likely pathogenic for Bardet-Biedl syndrome type 10. Last evaluated: 2024-11-26. Review status: criteria provided, single submitter. Criteria: Natera Variant Classification Schema (03/2026). Collection method: clinical testing. Allele origin: germline.
Comment: The c.1808del variant in BBS10 is a frameshift variant predicted to shift the reading frame beginning at codon 603 and leads to a stop codon 29 codons downstream. This variant is expected to result in nonsense mediated decay, truncation, or a dysfunctional protein product. This variant is rare in the general population with a frequency below the threshold expected for the associated phenotype(s). Given the available evidence, this variant is classified as Likely Pathogenic.